The following is an entry in ClinVar:

NM_000416.3(IFNGR1):c.277G>A (p.Asp93Asn)

Gene: IFNGR1 (interferon gamma receptor 1; minus strand). Cytogenetic location: 6q23.3.
Variant type: single nucleotide variant.
Coding change: c.277G>A on transcript NM_000416.3 (MANE Select); coding-DNA position 277, G replaced by A.
Protein change: p.Asp93Asn; replaces aspartic acid 93 with asparagine.
Molecular consequence: missense variant.
Genome position (GRCh38, 1-based): chr6:137,206,232, C>T on the plus strand (G>A on the coding strand, the complement: IFNGR1 is on the minus strand). VCF-style: chr6-137206232-C-T. GRCh37 (hg19) VCF-style: chr6-137527369-C-T.
Other names: c.247G>A, p.Asp83Asn (NM_001363526.1); c.154G>A, p.Asp52Asn (NM_001363527.1); short protein forms D83N, D52N, D93N.
Identifiers: ClinVar variation 959834 (VCV000959834.11), dbSNP rs1273041625, ClinGen allele CA365775798.
Genomic context (GRCh38, chr6:137,206,232, plus strand): 5'-AGGCAGATTCTTTTTGTCCAACCCTGGCTTTAACTCTGACCCAAAGAGAATTTGATGGAT[C>T]ACCAACATGATCAGAAATATTACAATAATGATGAGAAATATTGATGCAGGCATCAATCCA-3'
Protein context (NP_000407.1, residues 83-103): HYCNISDHVG[Asp93Asn]PSNSLWVRVK

ClinVar aggregate classification (germline): Uncertain significance (1 of 4 stars; one submission).

Conditions:
Disseminated atypical mycobacterial infection. Identifiers: MedGen C0694566.

Allele frequency attached by ClinVar (database versions not stated): gnomAD exomes below 0.00001; TOPMed below 0.00001.
gnomAD v4.1: 9 of 1,612,014 alleles (0.00056%); highest among the groups gnomAD compares: Non-Finnish European, 0.00076%; no homozygotes.

Submission:

Labcorp Genetics (formerly Invitae), Labcorp
Classification: Uncertain significance for Disseminated atypical mycobacterial infection. Last evaluated: 2022-07-19. Review status: criteria provided, single submitter. Criteria: Invitae Variant Classification Sherloc (09022015). Collection method: clinical testing. Allele origin: germline.
Comment: This variant has not been reported in the literature in individuals affected with IFNGR1-related conditions. This variant is present in population databases (no rsID available, gnomAD 0.0009%). This sequence change replaces aspartic acid, which is acidic and polar, with asparagine, which is neutral and polar, at codon 93 of the IFNGR1 protein (p.Asp93Asn). ClinVar contains an entry for this variant (Variation ID: 959834). In summary, the available evidence is currently insufficient to determine the role of this variant in disease. Therefore, it has been classified as a Variant of Uncertain Significance. Algorithms developed to predict the effect of sequence changes on RNA splicing suggest that this variant may create or strengthen a splice site. Algorithms developed to predict the effect of missense changes on protein structure and function output the following: SIFT: "Tolerated"; PolyPhen-2: "Benign"; Align-GVGD: "Class C0". The asparagine amino acid residue is found in multiple mammalian species, which suggests that this missense change does not adversely affect protein function.